The following is an entry in ClinVar:

ClinVar aggregate classification (germline): Conflicting classifications of pathogenicity. Review status: criteria provided, conflicting classifications (1 of 4 stars). 3 submissions from 3 submitters: Uncertain significance (2); Likely benign (1). Last evaluated 2025-12-09.

Conditions:
Peroxisome biogenesis disorder 4A (Zellweger) (PBD4A). Also called: Zellweger syndrome spectrum (PEX6-related). Identifiers: Orphanet 912, MedGen C3553936, MONDO:0013930, OMIM 614862. Disease mechanism: loss of function.
Peroxisome biogenesis disorder 4B (PBD4B). Also called: SPINOCEREBELLAR ATAXIA WITH BLINDNESS AND DEAFNESS 1. Identifiers: Orphanet 44, Orphanet 95433, MedGen C3553937, MONDO:0013931, OMIM 614863.
Heimler syndrome 2 (HMLR2). Also called: PEROXISOME BIOGENESIS DISORDER 4C. Identifiers: Orphanet 3220, MedGen C4225267, OMIM 616617, MONDO:0014709.
Peroxisome biogenesis disorder. Identifiers: Orphanet 79189, MedGen C1832200, MONDO:0019234. Disease mechanism: loss of function.
Inborn genetic diseases. Identifiers: MedGen C0950123, MeSH D030342.

Allele frequency attached by ClinVar (database versions not stated): gnomAD 0.00002 and 0.00003; gnomAD exomes 0.00002 and 0.00005; TOPMed 0.00002; ExAC 0.00004; 1000 Genomes Project 30x 0.00016; 1000 Genomes Project 0.00020.
gnomAD v4.1: 72 of 1,614,152 alleles (0.0045%); highest among the groups gnomAD compares: African/African-American, 0.008%; no homozygotes.

Submissions (3):

Ambry Genetics
Classification: Likely benign for Inborn genetic diseases. Last evaluated: 2025-12-09. Review status: criteria provided, single submitter. Criteria: Ambry Variant Classification Scheme 2023. Collection method: clinical testing. Allele origin: germline.

Labcorp Genetics (formerly Invitae), Labcorp
Classification: Uncertain significance for Peroxisome biogenesis disorder. Last evaluated: 2023-11-11. Review status: criteria provided, single submitter. Criteria: Invitae Variant Classification Sherloc (09022015). Collection method: clinical testing. Allele origin: germline.
Comment: This sequence change replaces valine, which is neutral and non-polar, with isoleucine, which is neutral and non-polar, at codon 694 of the PEX6 protein (p.Val694Ile). The frequency data for this variant in the population databases is considered unreliable, as metrics indicate poor data quality at this position in the gnomAD database. This variant has not been reported in the literature in individuals affected with PEX6-related conditions. ClinVar contains an entry for this variant (Variation ID: 1519294). Advanced modeling of protein sequence and biophysical properties (such as structural, functional, and spatial information, amino acid conservation, physicochemical variation, residue mobility, and thermodynamic stability) performed at Invitae indicates that this missense variant is not expected to disrupt PEX6 protein function with a negative predictive value of 95%. In summary, the available evidence is currently insufficient to determine the role of this variant in disease. Therefore, it has been classified as a Variant of Uncertain Significance.

Fulgent Genetics
Classification: Uncertain significance for Peroxisome biogenesis disorder 4A (Zellweger); Peroxisome biogenesis disorder 4B; Heimler syndrome 2. Last evaluated: 2021-10-29. Review status: criteria provided, single submitter. Criteria: ACMG Guidelines, 2015. Collection method: clinical testing. Allele origin: unknown.

NM_000287.4(PEX6):c.2080G>A (p.Val694Ile)

Gene: PEX6 (peroxisomal biogenesis factor 6; minus strand). Cytogenetic location: 6p21.1.
Variant type: single nucleotide variant.
Coding change: c.2080G>A on transcript NM_000287.4 (MANE Select); coding-DNA position 2080, G replaced by A.
Protein change: p.Val694Ile; replaces valine 694 with isoleucine.
Molecular consequence: missense variant. On other transcripts: non-coding transcript variant (1).
Genome position (GRCh38, 1-based): chr6:42,966,539, C>T on the plus strand (G>A on the coding strand, the complement: PEX6 is on the minus strand). VCF-style: chr6-42966539-C-T. GRCh37 (hg19) VCF-style: chr6-42934277-C-T.
Other names: c.2080G>A (NM_000287.3); c.1816G>A, p.Val606Ile (NM_001316313.2); short protein forms V606I, V694I.
Identifiers: ClinVar variation 1519294 (VCV001519294.6), dbSNP rs562698757, ClinGen allele CA3811135.
Genomic context (GRCh38, chr6:42,966,539, plus strand): 5'-GCTCTTGGAGGGGCTCCTGTCCCACCTCCAAGGACTTGGTCTCCACCTTGGGGGCTCCAA[C>T]GGCCTGGGAGTGAGCTGTCTGCAGTTGCTCCAGTGCCTGCCCAAAGTCCTCAGCCAGGAG-3'
Protein context (NP_000278.3, residues 684-704): EQLQTAHSQA[Val694Ile]GAPKIPSVSW